The following is an entry in ClinVar:

NM_016599.5(MYOZ2):c.787G>A (p.Asp263Asn)

Gene: MYOZ2 (myozenin 2; plus strand). Cytogenetic location: 4q26.
Variant type: single nucleotide variant.
Coding change: c.787G>A on transcript NM_016599.5 (MANE Select); coding-DNA position 787, G replaced by A.
Protein change: p.Asp263Asn; replaces aspartic acid 263 with asparagine.
Molecular consequence: missense variant.
Genome position (GRCh38, 1-based): chr4:119,186,192, G>A. VCF-style: chr4-119186192-G-A. GRCh37 (hg19) VCF-style: chr4-120107347-G-A.
Other names: short protein forms D263N.
Identifiers: ClinVar variation 450342 (VCV000450342.2), dbSNP rs1553960195, ClinGen allele CA358202510.

ClinVar aggregate classification (germline): Uncertain significance (1 of 4 stars; one submission).

Submission:

GeneDx
Classification: Uncertain significance. Last evaluated: 2017-07-06. Review status: criteria provided, single submitter. Criteria: GeneDx Variant Classification (06012015). Collection method: clinical testing. Allele origin: germline. Affected: yes.
Comment: The D263N variant in the MYOZ2 gene has not been reported previously as a pathogenic variant, nor as a benign variant, to our knowledge. The D263N variant is not observed in large population cohorts (Lek et al., 2016; 1000 Genomes Consortium et al., 2015; Exome Variant Server). The D263N variant is a semi-conservative amino acid substitution, which may impact secondary protein structure as these residues differ in some properties. This substitution occurs at a position that is conserved across species. In silico analysis predicts this variant is probably damaging to the protein structure/function. We interpret D263N as a variant of uncertain significance